The following is an entry in ClinVar:

ClinVar aggregate classification (germline): Conflicting classifications of pathogenicity. Review status: criteria provided, conflicting classifications (1 of 4 stars). 2 submissions from 2 submitters: Pathogenic (1); Uncertain significance (1). Last evaluated 2024-10-07.

Conditions:
Cornelia de Lange syndrome 3 (CDLS3). Also called: CORNELIA DE LANGE SYNDROME 3 WITH OR WITHOUT MIDLINE BRAIN DEFECTS; SMC3-Related Cornelia de Lange Syndrome. Identifiers: Orphanet 199, MedGen C1853099, MONDO:0012555, OMIM 610759.

Submissions (2):

GeneDx
Classification: Pathogenic. Last evaluated: 2024-10-07. Review status: criteria provided, single submitter. Criteria: GeneDx Variant Classification Process June 2021. Collection method: clinical testing. Allele origin: germline. Affected: yes.
Comment: Not observed in large population cohorts (gnomAD); In silico analysis, which includes protein predictors and evolutionary conservation, supports a deleterious effect; Has not been previously published as pathogenic or benign to our knowledge

Labcorp Genetics (formerly Invitae), Labcorp
Classification: Uncertain significance for Cornelia de Lange syndrome 3. Last evaluated: 2017-11-08. Review status: criteria provided, single submitter. Criteria: Invitae Variant Classification Sherloc (09022015). Collection method: clinical testing. Allele origin: germline.
Comment: This sequence change replaces cysteine with arginine at codon 1134 of the SMC3 protein (p.Cys1134Arg). The cysteine residue is highly conserved and there is a large physicochemical difference between cysteine and arginine. This variant is not present in population databases (ExAC no frequency). This variant has not been reported in the literature in individuals with SMC3-related disease. Algorithms developed to predict the effect of missense changes on protein structure and function do not agree on the potential impact of this missense change (SIFT: "Deleterious"; PolyPhen-2: "Probably Damaging"; Align-GVGD: "Class C0"). In summary, the available evidence is currently insufficient to determine the role of this variant in disease. Therefore, it has been classified as a Variant of Uncertain Significance.

NM_005445.4(SMC3):c.3400T>C (p.Cys1134Arg)

Gene: SMC3 (structural maintenance of chromosomes 3; plus strand). Cytogenetic location: 10q25.2.
Variant type: single nucleotide variant.
Coding change: c.3400T>C on transcript NM_005445.4 (MANE Select); coding-DNA position 3400, T replaced by C.
Protein change: p.Cys1134Arg; replaces cysteine 1134 with arginine.
Molecular consequence: missense variant.
Genome position (GRCh38, 1-based): chr10:110,602,927, T>C. VCF-style: chr10-110602927-T-C. GRCh37 (hg19) VCF-style: chr10-112362685-T-C.
Other names: short protein forms C1134R.
Identifiers: ClinVar variation 534189 (VCV000534189.10), dbSNP rs1554884207, ClinGen allele CA378395168.